The following is an entry in ClinVar:

ClinVar aggregate classification (germline): Uncertain significance (1 of 4 stars; one submission).

Conditions:
Cone-rod dystrophy 20 (CORD20). Identifiers: Orphanet 1872, MedGen C4014856, MONDO:0014427, OMIM 615973.

gnomAD v4.1: 8 of 1,604,846 alleles (0.0005%); highest among the groups gnomAD compares: East Asian, 0.016%; no homozygotes.

Submission:

3billion
Classification: Uncertain significance for Cone-rod dystrophy 20. Last evaluated: 2024-10-23. Review status: criteria provided, single submitter. Criteria: ACMG Guidelines, 2015. Collection method: clinical testing. Allele origin: germline. Affected: yes.
Comment: The variant is observed at an extremely low frequency in the gnomAD v4.1.0 dataset (total allele frequency: <0.001%). Predicted Consequence/Location: Missense variant. The majority of the known disease-causing variants of this gene are variants expected to result in premature termination of the protein. In silico tools predict the variant to alter splicing and produce an abnormal transcript [SpliceAI: 0.56 (>=0.2, moderate evidence for spliceogenicity)]. Therefore, this variant is classified as VUS according to the recommendation of ACMG/AMP guideline.

NM_172240.3(POC1B):c.880G>T (p.Val294Phe)

Genes: POC1B (POC1 centriolar protein B; minus strand), POC1B-DUSP6 (POC1B-DUSP6 readthrough; minus strand). Cytogenetic location: 12q21.33.
Variant type: single nucleotide variant.
Coding change: c.880G>T on transcript NM_172240.3 (MANE Select); coding-DNA position 880, G replaced by T.
Protein change: p.Val294Phe; replaces valine 294 with phenylalanine.
Molecular consequence: missense variant. On other transcripts: non-coding transcript variant (5).
Genome position (GRCh38, 1-based): chr12:89,466,922, C>A on the plus strand (G>T on the coding strand, the complement: POC1B is on the minus strand). VCF-style: chr12-89466922-C-A. GRCh37 (hg19) VCF-style: chr12-89860699-C-A.
Other names: c.880G>T, p.Val294Phe (NM_001425794.1, NM_001425795.1, NM_001425771.1 and 1 more transcripts); c.490G>T, p.Val164Phe (NM_001425796.1, NM_001425773.1); c.754G>T, p.Val252Phe (NM_001199777.2); short protein forms V164F, V252F, V294F.
Identifiers: ClinVar variation 4292636 (VCV004292636.1).
Genomic context (GRCh38, chr12:89,466,922, plus strand): 5'-GATTTCTTTTGGTAAGACCTTTACAATGCAATTCATCAAAGTTAGTCCTCCATAATAAGA[C>A]CTATGAAAAAAGTCAATGATGTTGGCAGTTATTGACTTGCATGTACAAGCAATAGAGCTG-3'
Protein context (NP_758440.1, residues 284-304): LFASGGADTQ[Val294Phe]LLWRTNFDEL